The following is an entry in ClinVar:

ClinVar aggregate classification (germline): Uncertain significance. Review status: criteria provided, multiple submitters, no conflicts (2 of 4 stars). 2 submissions from 2 submitters: Uncertain significance (2). Last evaluated 2026-01-23.

Conditions:
Inborn genetic diseases. Identifiers: MedGen C0950123, MeSH D030342.

Submissions (2):

GeneDx
Classification: Uncertain significance. Last evaluated: 2026-01-23. Review status: criteria provided, single submitter. Criteria: GeneDx Variant Classification Process June 2021. Collection method: clinical testing. Allele origin: germline.
Comment: Not observed at significant frequency in large population cohorts (gnomAD); In silico analysis supports that this missense variant has a deleterious effect on protein structure/function; Has not been previously published as pathogenic or benign to our knowledge.

Ambry Genetics
Classification: Uncertain significance for Inborn genetic diseases. Last evaluated: 2025-08-10. Review status: criteria provided, single submitter. Criteria: Ambry Variant Classification Scheme 2023. Collection method: clinical testing. Allele origin: germline.

NM_001352027.3(PHF21A):c.175C>T (p.Arg59Trp)

Gene: PHF21A (PHD finger protein 21A; minus strand). Cytogenetic location: 11p11.2.
Variant type: single nucleotide variant.
Coding change: c.175C>T on transcript NM_001352027.3 (MANE Select); coding-DNA position 175, C replaced by T.
Protein change: p.Arg59Trp; replaces arginine 59 with tryptophan.
Molecular consequence: missense variant. On other transcripts: non-coding transcript variant (2).
Genome position (GRCh38, 1-based): chr11:45,979,945, G>A on the plus strand (C>T on the coding strand, the complement: PHF21A is on the minus strand). VCF-style: chr11-45979945-G-A. GRCh37 (hg19) VCF-style: chr11-46001496-G-A.
Other names: c.175C>T (NM_016621.3); c.175C>T, p.Arg59Trp (NM_001352030.3, NM_001352031.3, NM_001352032.3 and 9 more transcripts); c.196C>T, p.Arg66Trp (NM_001441167.1, NM_001441168.1, NM_001441169.1); short protein forms R59W, R66W.
Identifiers: ClinVar variation 4135711 (VCV004135711.2).
Genomic context (GRCh38, chr11:45,979,945, plus strand): 5'-GTGGCAATGGCTGTATTTGGAACTTGTCCGGTTGTTCTTGCTTTACTATCAGGTTCTTCC[G>A]TAGCTGTTCAACTACTCTTTTCTACCAAATGAAGACAAAAAGAAATAAAAGATATTAGAA-3'
Protein context (NP_001338956.1, residues 49-69): EKQKRVVEQL[Arg59Trp]KNLIVKQEQP